The following is an entry in ClinVar:

NM_000128.4(F11):c.218+1G>A

Gene: F11 (coagulation factor XI; plus strand). Cytogenetic location: 4q35.2.
Variant type: single nucleotide variant.
Coding change: c.218+1G>A on transcript NM_000128.4 (MANE Select); the canonical splice donor site of the intron after coding-DNA position 218, G replaced by A.
Molecular consequence: splice donor variant.
Genome position (GRCh38, 1-based): chr4:186,271,772, G>A. VCF-style: chr4-186271772-G-A. GRCh37 (hg19) VCF-style: chr4-187192926-G-A.
Other names: c.218+1G>A (NM_001354804.2).
Identifiers: ClinVar variation 370747 (VCV000370747.12), dbSNP rs1057516738, ClinGen allele CA16040940.

ClinVar aggregate classification (germline): Likely pathogenic. Review status: criteria provided, single submitter (1 of 4 stars). 2 submissions from 2 submitters: Likely pathogenic (1). 1 of the submissions does not count toward it. Last evaluated 2024-02-29.

Conditions:
Hereditary factor XI deficiency disease. Also called: PLASMA THROMBOPLASTIN ANTECEDENT DEFICIENCY; PTA DEFICIENCY; ROSENTHAL SYNDROME; Congenital factor XI deficiency. Identifiers: Orphanet 329, MedGen C0015523, MeSH D005173, MONDO:0012897, OMIM 612416.

Allele frequency attached by ClinVar (database versions not stated): gnomAD exomes below 0.00001.
gnomAD v4.1: 1 of 1,614,118 alleles (0.000062%); highest among the groups gnomAD compares: Non-Finnish European, 0.000085%; no homozygotes.

Submissions (2):

Labcorp Genetics (formerly Invitae), Labcorp
Classification: Likely pathogenic. Last evaluated: 2024-02-29. Review status: criteria provided, single submitter. Criteria: Invitae Variant Classification Sherloc (09022015). Collection method: clinical testing. Allele origin: germline.
Comment: This sequence change affects a donor splice site in intron 3 of the F11 gene. It is expected to disrupt RNA splicing. Variants that disrupt the donor or acceptor splice site typically lead to a loss of protein function (PMID: 16199547), and loss-of-function variants in F11 are known to be pathogenic (PMID: 23929304). This variant is present in population databases (no rsID available, gnomAD 0.0009%). Disruption of this splice site has been observed in individual(s) with clinical features of Factor XI deficiency (PMID: 18839438). ClinVar contains an entry for this variant (Variation ID: 370747). Algorithms developed to predict the effect of sequence changes on RNA splicing suggest that this variant may disrupt the consensus splice site. In summary, the currently available evidence indicates that the variant is pathogenic, but additional data are needed to prove that conclusively. Therefore, this variant has been classified as Likely Pathogenic.

Counsyl
Classification: Likely pathogenic for Hereditary factor XI deficiency disease. Last evaluated: 2016-04-05. Review status: no assertion criteria provided. Collection method: clinical testing. Allele origin: unknown. Not counted in ClinVar's aggregate classification.

Literature cited by the submitters: PubMed 16199547 (cited by Labcorp Genetics (formerly Invitae), Labcorp); PubMed 23929304 (cited by Labcorp Genetics (formerly Invitae), Labcorp); PubMed 18839438 (cited by Labcorp Genetics (formerly Invitae), Labcorp).